The following is an entry in ClinVar:

NM_000254.3(MTR):c.2733A>G (p.Glu911=)

Gene: MTR (5-methyltetrahydrofolate-homocysteine methyltransferase; plus strand). Cytogenetic location: 1q43.
Variant type: single nucleotide variant.
Coding change: c.2733A>G on transcript NM_000254.3 (MANE Select); coding-DNA position 2733, A replaced by G.
Protein change: p.Glu911=; no amino-acid change (glutamic acid 911 retained).
Molecular consequence: synonymous variant.
Genome position (GRCh38, 1-based): chr1:236,885,177, A>G. VCF-style: chr1-236885177-A-G. GRCh37 (hg19) VCF-style: chr1-237048477-A-G.
Other names: c.2580A>G, p.Glu860= (NM_001291939.1); c.1512A>G, p.Glu504= (NM_001291940.2); c.2544A>G, p.Glu848= (NM_001410942.1).
Identifiers: ClinVar variation 2640113 (VCV002640113.26), dbSNP rs2528436082, ClinGen allele CA423816414.

ClinVar aggregate classification (germline): Likely benign. Review status: criteria provided, multiple submitters, no conflicts (2 of 4 stars). 2 submissions from 2 submitters: Likely benign (2). Last evaluated 2024-02-14.

Conditions:
Methylcobalamin deficiency type cblG (HMAG). Also called: HOMOCYSTINURIA-MEGALOBLASTIC ANEMIA, cblG COMPLEMENTATION TYPE; HOMOCYSTINURIA-MEGALOBLASTIC ANEMIA, cblG TYPE; Functional methionine synthase deficiency type cblG; HOMOCYSTINURIA-MEGALOBLASTIC ANEMIA DUE TO DEFECT IN COBALAMIN METABOLISM, cblG COMPLEMENTATION TYPE. Identifiers: Orphanet 2170, Orphanet 622, MedGen C1855128, MONDO:0009609, OMIM 250940.

Submissions (2):

Labcorp Genetics (formerly Invitae), Labcorp
Classification: Likely benign for Methylcobalamin deficiency type cblG. Last evaluated: 2024-02-14. Review status: criteria provided, single submitter. Criteria: Invitae Variant Classification Sherloc (09022015). Collection method: clinical testing. Allele origin: germline.

CeGaT Center for Human Genetics Tuebingen
Classification: Likely benign. Last evaluated: 2023-01-01. Review status: criteria provided, single submitter. Criteria: CeGaT Center For Human Genetics Tuebingen Variant Classification Criteria Version 2. Collection method: clinical testing. Allele origin: germline. Affected: yes. Observed: 1 variant allele.
Comment: MTR: PM2:Supporting, BP4, BP7